The following is an entry in ClinVar:

NM_006885.4(ZFHX3):c.8295dup (p.Asp2766Ter)

Genes: ZFHX3 (zinc finger homeobox 3; minus strand), ZFHX3-AS1 (ZFHX3 antisense RNA 1; plus strand). Cytogenetic location: 16q22.2.
Variant type: Duplication.
Coding change: c.8295dup on transcript NM_006885.4 (MANE Select); coding-DNA position 8295, one base duplicated (T; older notation c.8295dupT).
Protein change: p.Asp2766Ter; replaces aspartic acid 2766 with a stop codon.
Molecular consequence: nonsense.
Genome position (GRCh38, 1-based): chr16:72,794,387, A duplicated on the plus strand (T on the coding strand, the reverse complement: ZFHX3 is on the minus strand); the first of 5 consecutive A bases (chr16:72,794,387-72,794,391); duplicating any one gives the same sequence. VCF-style (leftmost placement, unchanged base first): chr16-72794386-C-CA. GRCh37 (hg19) VCF-style: chr16-72828285-C-CA.
Other names: c.5553dup, p.Asp1852Ter (NM_001164766.2); c.8295dup, p.Asp2766Ter (NM_001386735.1); short protein forms D1852*, D2766*.
Identifiers: ClinVar variation 3389963 (VCV003389963.14).
Genomic context (GRCh38, chr16:72,794,386, plus strand): 5'-AGAGGGGGACACCCTGACCATCACTACTGCTTGGGGGTAGGTGGGAAAAGCTAGTTCCGT[C>CA]AAAAATATCTCCTTTCATCTGGAGTCCCCCATCACAGTCTAAGAGCATCGCAGACAGAGT-3'

ClinVar aggregate classification (germline): Likely pathogenic (1 of 4 stars; one submission).

Submission:

CeGaT Center for Human Genetics Tuebingen
Classification: Likely pathogenic. Last evaluated: 2025-05-01. Review status: criteria provided, single submitter. Criteria: CeGaT Center For Human Genetics Tuebingen Variant Classification Criteria Version 2. Collection method: clinical testing. Allele origin: germline. Affected: yes. Observed: 1 variant allele.
Comment: ZFHX3: PVS1:Strong, PM2